The following is an entry in ClinVar:

ClinVar aggregate classification (germline): Uncertain significance. Review status: criteria provided, multiple submitters, no conflicts (2 of 4 stars). 3 submissions from 3 submitters: Uncertain significance (3). Last evaluated 2022-08-01.

Conditions:
Progressive external ophthalmoplegia with mitochondrial DNA deletions, autosomal dominant 1 (PEOA1). Also called: PROGRESSIVE EXTERNAL OPHTHALMOPLEGIA, AUTOSOMAL DOMINANT 1; Autosomal Dominant Progressive External Ophthalmoplegia (adPEO). Identifiers: MedGen C1834846, MONDO:0024528, OMIM 157640.
Progressive external ophthalmoplegia with mitochondrial DNA deletions, autosomal recessive 1 (PEOB1). Also called: Progressive external ophthalmoplegia, autosomal recessive 1; Autosomal Recessive Progressive External Ophthalmoplegia (arPEO). Identifiers: Orphanet 254886, MedGen C4225153, MONDO:0009783, OMIM 258450.
Sensory ataxic neuropathy, dysarthria, and ophthalmoparesis (SANDO). Also called: Sensory ataxic neuropathy-dysarthria-ophthalmoparesis syndrome; Ataxia Neuropathy Spectrum (ANS); SENSORY ATAXIC NEUROPATHY WITH MITOCHONDRIAL DNA DELETIONS, AUTOSOMAL RECESSIVE; Epilepsy, progressive myoclonic, type 5. Identifiers: Orphanet 70595, MedGen C1843851, MONDO:0011835, OMIM 607459.
Progressive sclerosing poliodystrophy (MTDPS4A). Also called: Mitochondrial DNA depletion syndrome 4A (Alpers type); Mitochondrial DNA Depletion Syndrome 4A; ALPERS PROGRESSIVE INFANTILE POLIODYSTROPHY; Alpers-Huttenlocher Syndrome; Alpers Syndrome; ALPERS DIFFUSE DEGENERATION OF CEREBRAL GRAY MATTER WITH HEPATIC CIRRHOSIS. Identifiers: Orphanet 726, MedGen C0205710, MONDO:0008758, OMIM 203700.
Mitochondrial DNA depletion syndrome 4b. Also called: Mitochondrial Neurogastrointestinal Encephalopathy Disease, POLG-Related; MNGIE, POLG-RELATED. Identifiers: Orphanet 298, MedGen C3150914, MONDO:0013350, OMIM 613662.
Mitochondrial DNA depletion syndrome 1. Also called: Mitochondrial DNA Depletion Syndrome, MNGIE Form; Mitochondrial DNA depletion syndrome 1 (MNGIE type); Mitochondrial Neurogastrointestinal Encephalopathy Disease; MITOCHONDRIAL NEUROGASTROINTESTINAL ENCEPHALOPATHY SYNDROME, TYMP-RELATED; MNGIE, TYMP-RELATED; Mitochondrial neurogastrointestinal encephalomyopathy syndrome. Identifiers: Orphanet 298, MedGen C4551995, MONDO:0011283, OMIM 603041.

Allele frequency attached by ClinVar (database versions not stated): gnomAD exomes below 0.00001; gnomAD 0.00001; TOPMed 0.00001.

Submissions (3):

CeGaT Center for Human Genetics Tuebingen
Classification: Uncertain significance. Last evaluated: 2022-08-01. Review status: criteria provided, single submitter. Criteria: CeGaT Center For Human Genetics Tuebingen Variant Classification Criteria Version 2. Collection method: clinical testing. Allele origin: germline. Affected: yes. Observed: 1 variant allele.

GeneDx
Classification: Uncertain significance. Last evaluated: 2020-01-30. Review status: criteria provided, single submitter. Criteria: GeneDx Variant Classification Process June 2021. Collection method: clinical testing. Allele origin: germline. Affected: yes.
Comment: Not observed in large population cohorts (Lek et al., 2016); In silico analysis supports that this missense variant has a deleterious effect on protein structure/function; Has not been previously published as pathogenic or benign to our knowledge

Fulgent Genetics
Classification: Uncertain significance for Progressive external ophthalmoplegia with mitochondrial DNA deletions, autosomal dominant 1; Progressive sclerosing poliodystrophy; Progressive external ophthalmoplegia with mitochondrial DNA deletions, autosomal recessive 1; Mitochondrial DNA depletion syndrome 1; Sensory ataxic neuropathy, dysarthria, and ophthalmoparesis; Mitochondrial DNA depletion syndrome 4b. Last evaluated: 2018-10-31. Review status: criteria provided, single submitter. Criteria: ACMG Guidelines, 2015. Collection method: clinical testing. Allele origin: unknown.

NM_002693.3(POLG):c.1328G>A (p.Arg443His)

Gene: POLG (DNA polymerase gamma, catalytic subunit; minus strand). Cytogenetic location: 15q26.1.
Variant type: single nucleotide variant.
Coding change: c.1328G>A on transcript NM_002693.3 (MANE Select); coding-DNA position 1328, G replaced by A.
Protein change: p.Arg443His; replaces arginine 443 with histidine.
Molecular consequence: missense variant.
Genome position (GRCh38, 1-based): chr15:89,327,272, C>T on the plus strand (G>A on the coding strand, the complement: POLG is on the minus strand). VCF-style: chr15-89327272-C-T. GRCh37 (hg19) VCF-style: chr15-89870503-C-T.
Other names: p.R443H:CGT>CAT; c.1328G>A, p.Arg443His (NM_001126131.2); short protein forms R443H.
Identifiers: ClinVar variation 206593 (VCV000206593.29), dbSNP rs796052903, ClinGen allele CA316828.